The following is an entry in ClinVar:

ClinVar aggregate classification (germline): Uncertain significance (1 of 4 stars; one submission).

Conditions:
Familial thoracic aortic aneurysm and aortic dissection (TAAD). Also called: Thoracic aortic aneurysms and dissections. Identifiers: Orphanet 91387, MedGen C4707243, MONDO:0019625.

Submission:

Color Diagnostics, LLC DBA Color Health
Classification: Uncertain significance for Familial thoracic aortic aneurysm and aortic dissection. Last evaluated: 2024-03-06. Review status: criteria provided, single submitter. Criteria: ACMG Guidelines, 2015. Collection method: clinical testing. Allele origin: germline.
Comment: This missense variant replaces leucine with tryptophan at codon 2056 of the FBN1 protein. Computational prediction is inconclusive regarding the impact of this variant on protein structure and function (internally defined REVEL score threshold 0.5 < inconclusive < 0.7, PMID: 27666373). To our knowledge, functional studies have not been reported for this variant. This variant has not been reported in individuals affected with cardiovascular disorders in the literature. This variant has not been identified in the general population by the Genome Aggregation Database (gnomAD). The available evidence is insufficient to determine the role of this variant in disease conclusively. Therefore, this variant is classified as a Variant of Uncertain Significance.

NM_000138.5(FBN1):c.6167T>G (p.Leu2056Trp)

Gene: FBN1 (fibrillin 1; minus strand). Cytogenetic location: 15q21.1.
Variant type: single nucleotide variant.
Coding change: c.6167T>G on transcript NM_000138.5 (MANE Select); coding-DNA position 6167, T replaced by G.
Protein change: p.Leu2056Trp; replaces leucine 2056 with tryptophan.
Molecular consequence: missense variant.
Genome position (GRCh38, 1-based): chr15:48,437,914, A>C on the plus strand (T>G on the coding strand, the complement: FBN1 is on the minus strand). VCF-style: chr15-48437914-A-C. GRCh37 (hg19) VCF-style: chr15-48730111-A-C.
Other names: c.6167T>G, p.Leu2056Trp (NM_001406716.1); short protein forms L2056W.
Identifiers: ClinVar variation 2773329 (VCV002773329.2), dbSNP rs2505438946, ClinGen allele CA392337343.